The following is an entry in ClinVar:

ClinVar aggregate classification (germline): Uncertain significance. Review status: criteria provided, single submitter (1 of 4 stars). 2 submissions from 2 submitters: Uncertain significance (1). 1 of the submissions does not count toward it. Last evaluated 2021-10-24.

Conditions:
ZFP57-related disorder. Also called: ZFP57-related condition.

Allele frequency attached by ClinVar (database versions not stated): gnomAD exomes 0.00005 and 0.00007; ExAC 0.00009; ESP Exome Variant Server 0.00041; TOPMed 0.00043; gnomAD 0.00044 and 0.00046; 1000 Genomes Project 0.00060; 1000 Genomes Project 30x 0.00062.
gnomAD v4.1: 140 of 1,612,204 alleles (0.0087%); highest among the groups gnomAD compares: African/African-American, 0.16%; no homozygotes.

Submissions (2):

Labcorp Genetics (formerly Invitae), Labcorp
Classification: Uncertain significance. Last evaluated: 2021-10-24. Review status: criteria provided, single submitter. Criteria: Invitae Variant Classification Sherloc (09022015). Collection method: clinical testing. Allele origin: germline.
Comment: This sequence change falls in intron 3 of the ZFP57 gene. It does not directly change the encoded amino acid sequence of the ZFP57 protein. It affects a nucleotide within the consensus splice site of the intron. This variant is present in population databases (rs375934044, ExAC 0.1%). This variant has not been reported in the literature in individuals with ZFP57-related conditions. Nucleotide substitutions within the consensus splice site are a relatively common cause of aberrant splicing (PMID: 17576681, 9536098). Algorithms developed to predict the effect of sequence changes on RNA splicing suggest that this variant is not likely to affect RNA splicing, but this prediction has not been confirmed by published transcriptional studies. In summary, the available evidence is currently insufficient to determine the role of this variant in disease. Therefore, it has been classified as a Variant of Uncertain Significance.

PreventionGenetics, part of Exact Sciences
Classification: Likely benign for ZFP57-related condition. Last evaluated: 2019-03-22. Review status: no assertion criteria provided. Collection method: clinical testing. Allele origin: germline. Not counted in ClinVar's aggregate classification.
Comment: This variant is classified as likely benign based on ACMG/AMP sequence variant interpretation guidelines (Richards et al. 2015 PMID: 25741868, with internal and published modifications).

Literature cited by the submitters: PubMed 17576681 (cited by Labcorp Genetics (formerly Invitae), Labcorp); PubMed 9536098 (cited by Labcorp Genetics (formerly Invitae), Labcorp).

NM_001109809.5(ZFP57):c.352+3A>G

Gene: ZFP57 (ZFP57 zinc finger protein; minus strand). Cytogenetic location: 6p22.1.
Variant type: single nucleotide variant.
Coding change: c.352+3A>G on transcript NM_001109809.5 (MANE Select); 3 bases into the intron after coding-DNA position 352, A replaced by G.
Molecular consequence: intron variant.
Genome position (GRCh38, 1-based): chr6:29,675,383, T>C on the plus strand (A>G on the coding strand, the complement: ZFP57 is on the minus strand). VCF-style: chr6-29675383-T-C. GRCh37 (hg19) VCF-style: chr6-29643160-T-C.
Other names: c.136+3A>G (NM_001366333.2); c.352+3A>G (NM_001109809.2).
Identifiers: ClinVar variation 1427447 (VCV001427447.5), dbSNP rs375934044, ClinGen allele CA3690840.
Genomic context (GRCh38, chr6:29,675,383, plus strand): 5'-CTCCATCCTTTCAGGGGTTATCCTGGGCCCTTTTCCCCTTCCTCCCTGCTTGGCAATTCT[T>C]ACCTGAAAGGCCTTCTGTGTTTGGGAGATGGACAAACTCTCTCCACTGTTCCTCTTCTTG-3'